The following is an entry in ClinVar:

NM_006536.7(CLCA2):c.1574T>C (p.Met525Thr)

Gene: CLCA2 (chloride channel accessory 2; plus strand). Cytogenetic location: 1p22.3.
Variant type: single nucleotide variant.
Coding change: c.1574T>C on transcript NM_006536.7 (MANE Select); coding-DNA position 1574, T replaced by C.
Protein change: p.Met525Thr; replaces methionine 525 with threonine.
Molecular consequence: missense variant.
Genome position (GRCh38, 1-based): chr1:86,443,872, T>C. VCF-style: chr1-86443872-T-C. GRCh37 (hg19) VCF-style: chr1-86909555-T-C.
Other names: short protein forms M525T.
Identifiers: ClinVar variation 2638911 (VCV002638911.24), dbSNP rs141677634, ClinGen allele CA934084.

ClinVar aggregate classification (germline): Likely benign (1 of 4 stars; one submission).

Allele frequency attached by ClinVar (database versions not stated): 1000 Genomes Project 30x 0.00078; 1000 Genomes Project 0.00080; ExAC 0.00227; gnomAD 0.00234; TOPMed 0.00237; ESP Exome Variant Server 0.00246; gnomAD exomes 0.00278.
gnomAD v4.1: 4,477 of 1,614,066 alleles (0.28%); highest among the groups gnomAD compares: Middle Eastern, 3.4%; 34 homozygotes.

Submission:

CeGaT Center for Human Genetics Tuebingen
Classification: Likely benign. Last evaluated: 2023-08-01. Review status: criteria provided, single submitter. Criteria: CeGaT Center For Human Genetics Tuebingen Variant Classification Criteria Version 2. Collection method: clinical testing. Allele origin: germline. Affected: yes. Observed: 1 variant allele.
Comment: CLCA2: BP4, BS2